The following is an entry in ClinVar:

NM_031935.3(HMCN1):c.7346T>C (p.Met2449Thr)

Gene: HMCN1 (hemicentin 1; plus strand). Cytogenetic location: 1q31.1.
Variant type: single nucleotide variant.
Coding change: c.7346T>C on transcript NM_031935.3 (MANE Select); coding-DNA position 7346, T replaced by C.
Protein change: p.Met2449Thr; replaces methionine 2449 with threonine.
Molecular consequence: missense variant.
Genome position (GRCh38, 1-based): chr1:186,061,884, T>C. VCF-style: chr1-186061884-T-C. GRCh37 (hg19) VCF-style: chr1-186031016-T-C.
Other names: short protein forms M2449T.
Identifiers: ClinVar variation 3699192 (VCV003699192.2).

ClinVar aggregate classification (germline): Uncertain significance (1 of 4 stars; one submission).

gnomAD v4.1: 1 of 1,613,008 alleles (0.000062%); highest among the groups gnomAD compares: South Asian, 0.0011%; no homozygotes.

Submission:

Labcorp Genetics (formerly Invitae), Labcorp
Classification: Uncertain significance. Last evaluated: 2024-08-14. Review status: criteria provided, single submitter. Criteria: Invitae Variant Classification Sherloc (09022015). Collection method: clinical testing. Allele origin: germline.
Comment: This sequence change replaces methionine, which is neutral and non-polar, with threonine, which is neutral and polar, at codon 2449 of the HMCN1 protein (p.Met2449Thr). This variant is not present in population databases (gnomAD no frequency). This variant has not been reported in the literature in individuals affected with HMCN1-related conditions. An algorithm developed to predict the effect of missense changes on protein structure and function outputs the following: PolyPhen-2: "Benign". The threonine amino acid residue is found in multiple mammalian species, which suggests that this missense change does not adversely affect protein function. In summary, the available evidence is currently insufficient to determine the role of this variant in disease. Therefore, it has been classified as a Variant of Uncertain Significance.